The following is an entry in ClinVar:

NM_001378974.1(FBXW11):c.508C>G (p.Leu170Val)

Gene: FBXW11 (F-box and WD repeat domain containing 11; minus strand). Cytogenetic location: 5q35.1.
Variant type: single nucleotide variant.
Coding change: c.508C>G on transcript NM_001378974.1 (MANE Select); coding-DNA position 508, C replaced by G.
Protein change: p.Leu170Val; replaces leucine 170 with valine.
Molecular consequence: missense variant.
Genome position (GRCh38, 1-based): chr5:171,900,029, G>C on the plus strand (C>G on the coding strand, the complement: FBXW11 is on the minus strand). VCF-style: chr5-171900029-G-C. GRCh37 (hg19) VCF-style: chr5-171327033-G-C.
Other names: c.439C>G, p.Leu147Val (NM_001378975.1); c.412C>G, p.Leu138Val (NM_001378976.1); c.349C>G, p.Leu117Val (NM_001378977.1, NM_001378978.1, NM_001378979.1); c.343C>G, p.Leu115Val (NM_001378980.1, NM_033645.3); c.445C>G, p.Leu149Val (NM_012300.3); c.406C>G, p.Leu136Val (NM_033644.3); short protein forms L115V, L117V, L136V, L138V, L147V, L149V, L170V.
Identifiers: ClinVar variation 2636611 (VCV002636611.2), dbSNP rs1760009270, ClinGen allele CA362211321.

ClinVar aggregate classification (germline): Uncertain significance (0 of 4 stars; one submission).

Conditions:
FBXW11-related disorder. Also called: FBXW11-related condition.

Allele frequency attached by ClinVar (database versions not stated): gnomAD exomes below 0.00001.
gnomAD v4.1: 2 of 1,613,736 alleles (0.00012%); highest among the groups gnomAD compares: Non-Finnish European, 0.00017%; no homozygotes.

Submission:

PreventionGenetics, part of Exact Sciences
Classification: Uncertain significance for FBXW11-related condition. Last evaluated: 2024-08-24. Review status: no assertion criteria provided. Collection method: clinical testing. Allele origin: germline.
Comment: The FBXW11 c.445C>G variant is predicted to result in the amino acid substitution p.Leu149Val. To our knowledge, this variant has not been reported in the literature or in a large population database, indicating this variant is rare. At this time, the clinical significance of this variant is uncertain due to the absence of conclusive functional and genetic evidence.